The following is an entry in ClinVar:

NM_000304.4(PMP22):c.397G>A (p.Gly133Ser)

Gene: PMP22 (peripheral myelin protein 22; minus strand). Cytogenetic location: 17p12.
Variant type: single nucleotide variant.
Coding change: c.397G>A on transcript NM_000304.4 (MANE Select); coding-DNA position 397, G replaced by A.
Protein change: p.Gly133Ser; replaces glycine 133 with serine.
Molecular consequence: missense variant. On other transcripts: non-coding transcript variant (2).
Genome position (GRCh38, 1-based): chr17:15,231,003, C>T on the plus strand (G>A on the coding strand, the complement: PMP22 is on the minus strand). VCF-style: chr17-15231003-C-T. GRCh37 (hg19) VCF-style: chr17-15134320-C-T.
Other names: c.397G>A, p.Gly133Ser (NM_001281455.2, NM_001281456.2, NM_153321.3 and 1 more transcripts); c.397G>A (NM_000304.2); short protein forms G133S.
Identifiers: ClinVar variation 917228 (VCV000917228.9), dbSNP rs140763467, ClinGen allele CA8403308.

ClinVar aggregate classification (germline): Uncertain significance. Review status: criteria provided, multiple submitters, no conflicts (2 of 4 stars). 4 submissions from 4 submitters: Uncertain significance (4). Last evaluated 2026-01-06.

Conditions:
Inborn genetic diseases. Identifiers: MedGen C0950123, MeSH D030342.
Charcot-Marie-Tooth disease. Also called: Charcot-Marie-Tooth Hereditary Neuropathy; Charcot-Marie-Tooth Neuropathy. Identifiers: Orphanet 166, MedGen C0007959, MONDO:0015626.
Charcot-Marie-Tooth disease, type I (CMT1). Also called: Charcot-Marie-Tooth disease type 1; Charcot-Marie-Tooth, Type 1. Identifiers: Orphanet 65753, MedGen C0751036, MONDO:0019011.

Allele frequency attached by ClinVar (database versions not stated): TOPMed 0.00001; gnomAD 0.00001; ExAC 0.00002; ESP Exome Variant Server 0.00008; gnomAD exomes 0.00001.
gnomAD v4.1: 8 of 1,614,030 alleles (0.0005%); highest among the groups gnomAD compares: South Asian, 0.0033%; no homozygotes.

Submissions (4):

GeneDx
Classification: Uncertain significance. Last evaluated: 2026-01-06. Review status: criteria provided, single submitter. Criteria: GeneDx Variant Classification Process June 2021. Collection method: clinical testing. Allele origin: germline.
Comment: Reported in a patient with suspected CMT in published literature; clinical information not provided (PMID: 32376792); Not observed at significant frequency in large population cohorts (gnomAD); In silico analysis supports that this missense variant has a deleterious effect on protein structure/function; This variant is associated with the following publications: (PMID: 31440238, 25400662, 32376792)

Ambry Genetics
Classification: Uncertain significance for Inborn genetic diseases. Last evaluated: 2022-12-15. Review status: criteria provided, single submitter. Criteria: Ambry Variant Classification Scheme 2023. Collection method: clinical testing. Allele origin: germline.

Labcorp Genetics (formerly Invitae), Labcorp
Classification: Uncertain significance for Charcot-Marie-Tooth disease, type I. Last evaluated: 2021-10-14. Review status: criteria provided, single submitter. Criteria: Invitae Variant Classification Sherloc (09022015). Collection method: clinical testing. Allele origin: germline.
Comment: In summary, the available evidence is currently insufficient to determine the role of this variant in disease. Therefore, it has been classified as a Variant of Uncertain Significance. Algorithms developed to predict the effect of sequence changes on RNA splicing suggest that this variant may create or strengthen a splice site. Advanced modeling of protein sequence and biophysical properties (such as structural, functional, and spatial information, amino acid conservation, physicochemical variation, residue mobility, and thermodynamic stability) performed at Invitae indicates that this missense variant is expected to disrupt PMP22 protein function. ClinVar contains an entry for this variant (Variation ID: 917228). This missense change has been observed in individual(s) with clinical features of PMP22-related conditions (PMID: 32376792). This variant is present in population databases (rs140763467, ExAC 0.003%). This sequence change replaces glycine with serine at codon 133 of the PMP22 protein (p.Gly133Ser). The glycine residue is highly conserved and there is a small physicochemical difference between glycine and serine.

Molecular Genetics Laboratory, London Health Sciences Centre
Classification: Uncertain significance for Charcot-Marie-Tooth disease. Review status: criteria provided, single submitter. Criteria: ACMG Guidelines, 2015. Collection method: clinical testing. Allele origin: germline. Affected: yes.

Literature cited by the submitters: PubMed 32376792 (cited by Ambry Genetics and Labcorp Genetics (formerly Invitae), Labcorp).